The following is an entry in ClinVar:

ClinVar aggregate classification (germline): Likely pathogenic (1 of 4 stars; one submission).

Conditions:
Osteogenesis imperfecta type I (OI1). Also called: OI, TYPE I; OSTEOGENESIS IMPERFECTA TARDA; OSTEOGENESIS IMPERFECTA WITH BLUE SCLERAE; Lobstein's Disease; Osteogenesis imperfecta type 1; Lobstein disease. Identifiers: Orphanet 216796, Orphanet 666, MedGen C0023931, MONDO:0008146, OMIM 166200. Disease mechanism: loss of function.

Submission:

Labcorp Genetics (formerly Invitae), Labcorp
Classification: Likely pathogenic for Osteogenesis imperfecta type I. Last evaluated: 2019-03-13. Review status: criteria provided, single submitter. Criteria: Invitae Variant Classification Sherloc (09022015). Collection method: clinical testing. Allele origin: germline.
Comment: Glycine residues within the Gly-Xaa-Yaa repeats of the triple helix domain are required for the structure and stability of fibrillar collagens (PMID: 7695699, 8218237, 19344236). In COL1A1, missense variants at these glycine residues are significantly enriched in individuals with disease (PMID: 9016532, 17078022) compared to the general population (ExAC). In summary, this variant is a novel missense change affecting a residue that is known to be critical for normal protein structure, stability and function. This type of missense change is also highly enriched in affected individuals and expected to be pathogenic. However, without additional functional and/or genetic data, this variant has been classified as Likely Pathogenic. This variant has not been reported in the literature in individuals with COL1A1-related conditions. This variant is not present in population databases (ExAC no frequency). This sequence change replaces glycine with alanine at codon 434 of the COL1A1 protein (p.Gly434Ala). The glycine residue is highly conserved and there is a small physicochemical difference between glycine and alanine.

Literature cited by the submitters: PubMed 7695699; PubMed 8218237; PubMed 19344236; PubMed 9016532; PubMed 17078022.

NM_000088.4(COL1A1):c.1301G>C (p.Gly434Ala)

Gene: COL1A1 (collagen type I alpha 1 chain; minus strand). Cytogenetic location: 17q21.33.
Variant type: single nucleotide variant.
Coding change: c.1301G>C on transcript NM_000088.4 (MANE Select); coding-DNA position 1301, G replaced by C.
Protein change: p.Gly434Ala; replaces glycine 434 with alanine.
Molecular consequence: missense variant.
Genome position (GRCh38, 1-based): chr17:50,195,099, C>G on the plus strand (G>C on the coding strand, the complement: COL1A1 is on the minus strand). VCF-style: chr17-50195099-C-G. GRCh37 (hg19) VCF-style: chr17-48272460-C-G.
Other names: short protein forms G434A.
Identifiers: ClinVar variation 863538 (VCV000863538.10), dbSNP rs72648333, ClinGen allele CA400218611.